The following is an entry in ClinVar:

NM_015046.7(SETX):c.7322C>T (p.Ala2441Val)

Gene: SETX (senataxin; minus strand). Cytogenetic location: 9q34.13.
Variant type: single nucleotide variant.
Coding change: c.7322C>T on transcript NM_015046.7 (MANE Select); coding-DNA position 7322, C replaced by T.
Protein change: p.Ala2441Val; replaces alanine 2441 with valine.
Molecular consequence: missense variant.
Genome position (GRCh38, 1-based): chr9:132,264,951, G>A on the plus strand (C>T on the coding strand, the complement: SETX is on the minus strand). VCF-style: chr9-132264951-G-A. GRCh37 (hg19) VCF-style: chr9-135140338-G-A.
Other names: c.7322C>T, p.Ala2441Val (NM_001351527.2); c.7409C>T, p.Ala2470Val (NM_001351528.2); short protein forms A2441V, A2470V.
Identifiers: ClinVar variation 3896989 (VCV003896989.1).

ClinVar aggregate classification (germline): Uncertain significance (1 of 4 stars; one submission).

Submission:

Kariminejad - Najmabadi Pathology & Genetics Center
Classification: Uncertain significance. Last evaluated: 2018-12-27. Review status: criteria provided, single submitter. Criteria: ACMG Guidelines, 2015. Collection method: clinical testing. Allele origin: germline. Inheritance: Autosomal recessive inheritance. Affected: yes.
Comment: PM1,PM2,PP3